The following is an entry in ClinVar:

ClinVar aggregate classification (germline): Uncertain significance. Review status: criteria provided, multiple submitters, no conflicts (2 of 4 stars). 3 submissions from 3 submitters: Uncertain significance (3). Last evaluated 2025-03-07.

Conditions:
Inborn genetic diseases. Identifiers: MedGen C0950123, MeSH D030342.

Allele frequency attached by ClinVar (database versions not stated): ExAC 0.00003.
gnomAD v4.1: 54 of 1,612,444 alleles (0.0033%); highest among the groups gnomAD compares: South Asian, 0.01%; no homozygotes.

Submissions (3):

Ambry Genetics
Classification: Uncertain significance for Inborn genetic diseases. Last evaluated: 2025-03-07. Review status: criteria provided, single submitter. Criteria: Ambry Variant Classification Scheme 2023. Collection method: clinical testing. Allele origin: germline.

Labcorp Genetics (formerly Invitae), Labcorp
Classification: Uncertain significance. Last evaluated: 2025-02-19. Review status: criteria provided, single submitter. Criteria: Invitae Variant Classification Sherloc (09022015). Collection method: clinical testing. Allele origin: germline.
Comment: This sequence change replaces arginine, which is basic and polar, with cysteine, which is neutral and slightly polar, at codon 441 of the CACNA2D4 protein (p.Arg441Cys). This variant is present in population databases (rs748328734, gnomAD 0.007%). This variant has not been reported in the literature in individuals affected with CACNA2D4-related conditions. ClinVar contains an entry for this variant (Variation ID: 1055331). An algorithm developed to predict the effect of missense changes on protein structure and function outputs the following: PolyPhen-2: "Benign". The cysteine amino acid residue is found in multiple mammalian species, which suggests that this missense change does not adversely affect protein function. In summary, the available evidence is currently insufficient to determine the role of this variant in disease. Therefore, it has been classified as a Variant of Uncertain Significance.

Blueprint Genetics
Classification: Uncertain significance. Last evaluated: 2019-07-23. Review status: criteria provided, single submitter. Criteria: ACMG Guidelines, 2015. Collection method: clinical testing. Allele origin: germline.

NM_172364.5(CACNA2D4):c.1321C>T (p.Arg441Cys)

Gene: CACNA2D4 (calcium voltage-gated channel auxiliary subunit alpha2delta 4; minus strand). Cytogenetic location: 12p13.33.
Variant type: single nucleotide variant.
Coding change: c.1321C>T on transcript NM_172364.5 (MANE Select); coding-DNA position 1321, C replaced by T.
Protein change: p.Arg441Cys; replaces arginine 441 with cysteine.
Molecular consequence: missense variant.
Genome position (GRCh38, 1-based): chr12:1,884,273, G>A on the plus strand (C>T on the coding strand, the complement: CACNA2D4 is on the minus strand). VCF-style: chr12-1884273-G-A. GRCh37 (hg19) VCF-style: chr12-1993439-G-A.
Other names: c.1321C>T (NM_172364.4); short protein forms R441C.
Identifiers: ClinVar variation 1055331 (VCV001055331.9), dbSNP rs748328734, ClinGen allele CA6387187.